The following is an entry in ClinVar:

NM_000102.4(CYP17A1):c.1217G>A (p.Trp406Ter)

Gene: CYP17A1 (cytochrome P450 family 17 subfamily A member 1; minus strand). Cytogenetic location: 10q24.32.
Variant type: single nucleotide variant.
Coding change: c.1217G>A on transcript NM_000102.4 (MANE Select); coding-DNA position 1217, G replaced by A.
Protein change: p.Trp406Ter; replaces tryptophan 406 with a stop codon.
Molecular consequence: nonsense.
Genome position (GRCh38, 1-based): chr10:102,831,534, C>T on the plus strand (G>A on the coding strand, the complement: CYP17A1 is on the minus strand). VCF-style: chr10-102831534-C-T. GRCh37 (hg19) VCF-style: chr10-104591291-C-T.
Other names: short protein forms W406*.
Identifiers: ClinVar variation 1960906 (VCV001960906.5), dbSNP rs2493235547, ClinGen allele CA377938464.
Genomic context (GRCh38, chr10:102,831,534, plus strand): 5'-GTGTGGCCCAGGGCGCAGGACAGGACAGACTCACCAGGCATGAACTGATCCGGCTGGTGC[C>T]ACTCCTTCTCATTGTGATGCAGCGCCCACAGATTGATGATAACTTCTGTGCCCTTGTCCA-3'

ClinVar aggregate classification (germline): Pathogenic (1 of 4 stars; one submission).

Allele frequency attached by ClinVar (database versions not stated): gnomAD exomes 0.00001.

Submission:

Labcorp Genetics (formerly Invitae), Labcorp
Classification: Pathogenic. Last evaluated: 2023-09-17. Review status: criteria provided, single submitter. Criteria: Invitae Variant Classification Sherloc (09022015). Collection method: clinical testing. Allele origin: germline.
Comment: This sequence change creates a premature translational stop signal (p.Trp406*) in the CYP17A1 gene. While this is not anticipated to result in nonsense mediated decay, it is expected to disrupt the last 103 amino acid(s) of the CYP17A1 protein. This variant is not present in population databases (gnomAD no frequency). For these reasons, this variant has been classified as Pathogenic. This variant disrupts a region of the CYP17A1 protein in which other variant(s) (p.Arg496Cys) have been determined to be pathogenic (PMID: 1515452, 9888582; Invitae). This suggests that this is a clinically significant region of the protein, and that variants that disrupt it are likely to be disease-causing. ClinVar contains an entry for this variant (Variation ID: 1960906). This variant has not been reported in the literature in individuals affected with CYP17A1-related conditions.

Literature cited by the submitters: PubMed 1515452; PubMed 9888582.